The following is an entry in ClinVar:

ClinVar aggregate classification (germline): Uncertain significance. Review status: criteria provided, multiple submitters, no conflicts (2 of 4 stars). 5 submissions from 5 submitters: Uncertain significance (5). Last evaluated 2023-11-20.

Conditions:
Intellectual developmental disorder, autosomal dominant 52. Also called: Intellectual disability, autosomal dominant 52; Mental retardation, autosomal dominant 52. Identifiers: MedGen C4540478, MONDO:0030918, OMIM 617796.
Inborn genetic diseases. Identifiers: MedGen C0950123, MeSH D030342.

Allele frequency attached by ClinVar (database versions not stated): gnomAD 0.00001; gnomAD exomes below 0.00001; TOPMed below 0.00001; ExAC 0.00001.

Submissions (5):

Blueprint Genetics
Classification: Uncertain significance. Last evaluated: 2023-11-20. Review status: criteria provided, single submitter. Criteria: ACMG Guidelines, 2015. Collection method: clinical testing. Allele origin: germline.

Genome-Nilou Lab
Classification: Uncertain significance for Intellectual developmental disorder, autosomal dominant 52. Last evaluated: 2023-04-11. Review status: criteria provided, single submitter. Criteria: ACMG Guidelines, 2015. Collection method: clinical testing. Allele origin: germline. Affected: no.

Revvity Omics, Revvity
Classification: Uncertain significance for Intellectual developmental disorder, autosomal dominant 52. Last evaluated: 2021-03-19. Review status: criteria provided, single submitter. Criteria: ACMG Guidelines, 2015. Collection method: clinical testing. Allele origin: germline.

Baylor Genetics
Classification: Uncertain significance for Intellectual developmental disorder, autosomal dominant 52. Last evaluated: 2021-03-06. Review status: criteria provided, single submitter. Criteria: ACMG Guidelines, 2015. Collection method: clinical testing. Allele origin: unknown.

Ambry Genetics
Classification: Uncertain significance for Inborn genetic diseases. Last evaluated: 2020-01-30. Review status: criteria provided, single submitter. Criteria: Ambry Variant Classification Scheme 2023. Collection method: clinical testing. Allele origin: germline.
Comment: The alteration results in an amino acid change:_x000D_ _x000D_ The c.2162A>C (p.K721T) alteration is located in exon 3 (coding exon 2) of the ASH1L gene. This alteration results from a A to C substitution at nucleotide position 2162, causing the lysine (K) at amino acid position 721 to be replaced by a threonine (T). The alteration is rare in population databases:_x000D_ _x000D_ Based on data from the Genome Aggregation Database (gnomAD), the ASH1L c.2162A>C alteration was observed in 0.0004% (1/249964) of total alleles studied. The altered amino acid is conserved throughout evolution:_x000D_ _x000D_ The p.K721 amino acid is conserved in available vertebrate species. The alteration is predicted inconclusive by in silico modeling:_x000D_ _x000D_ The in silico prediction for the p.K721T alteration is inconclusive. Based on insufficient or conflicting evidence, the clinical significance of this alteration remains unclear.

NM_018489.3(ASH1L):c.2162A>C (p.Lys721Thr)

Gene: ASH1L (ASH1 like histone lysine methyltransferase; minus strand). Cytogenetic location: 1q22.
Variant type: single nucleotide variant.
Coding change: c.2162A>C on transcript NM_018489.3 (MANE Select); coding-DNA position 2162, A replaced by C.
Protein change: p.Lys721Thr; replaces lysine 721 with threonine.
Molecular consequence: missense variant.
Genome position (GRCh38, 1-based): chr1:155,480,708, T>G on the plus strand (A>C on the coding strand, the complement: ASH1L is on the minus strand). VCF-style: chr1-155480708-T-G. GRCh37 (hg19) VCF-style: chr1-155450499-T-G.
Other names: c.2162A>C, p.Lys721Thr (NM_001366177.2); short protein forms K721T.
Identifiers: ClinVar variation 985252 (VCV000985252.10), dbSNP rs767107285, ClinGen allele CA1147242.
Genomic context (GRCh38, chr1:155,480,708, plus strand): 5'-AGCTCTGATCTTTCTAATTCTAGCCCTTTTGGAGACCGGCATGTGCTTCTTGCCACCACT[T>G]TAGTCCACCGAGGTTTTCTTCCTTTTCTTTTTTTTAATGGTTTGGACTGCAAACTAGTAC-3'
Protein context (NP_060959.2, residues 711-731): KRKGRKPRWT[Lys721Thr]VVARSTCRSP